The following is an entry in ClinVar:

NM_002693.3(POLG):c.2410G>C (p.Ala804Pro)

Gene: POLG (DNA polymerase gamma, catalytic subunit; minus strand). Cytogenetic location: 15q26.1.
Variant type: single nucleotide variant.
Coding change: c.2410G>C on transcript NM_002693.3 (MANE Select); coding-DNA position 2410, G replaced by C.
Protein change: p.Ala804Pro; replaces alanine 804 with proline.
Molecular consequence: missense variant.
Genome position (GRCh38, 1-based): chr15:89,322,758, C>G on the plus strand (G>C on the coding strand, the complement: POLG is on the minus strand). VCF-style: chr15-89322758-C-G. GRCh37 (hg19) VCF-style: chr15-89865989-C-G.
Other names: c.2410G>C, p.Ala804Pro (NM_001126131.2); short protein forms A804P.
Identifiers: ClinVar variation 2709099 (VCV002709099.4), dbSNP rs543602541, ClinGen allele CA393756244.

ClinVar aggregate classification (germline): Uncertain significance. Review status: criteria provided, multiple submitters, no conflicts (2 of 4 stars). 2 submissions from 2 submitters: Uncertain significance (2). Last evaluated 2025-10-17.

Conditions:
Progressive sclerosing poliodystrophy (MTDPS4A). Also called: ALPERS PROGRESSIVE INFANTILE POLIODYSTROPHY; NEURONAL DEGENERATION OF CHILDHOOD WITH LIVER DISEASE, PROGRESSIVE; Mitochondrial DNA depletion syndrome 4A (Alpers type); Mitochondrial DNA Depletion Syndrome 4A; Alpers-Huttenlocher Syndrome (AHS); Alpers Syndrome. Identifiers: Orphanet 726, MedGen C0205710, MONDO:0008758, OMIM 203700.

Allele frequency attached by ClinVar (database versions not stated): TOPMed below 0.00001.

Submissions (2):

Women's Health and Genetics/Laboratory Corporation of America, LabCorp
Classification: Uncertain significance. Last evaluated: 2025-10-17. Review status: criteria provided, single submitter. Criteria: LabCorp Variant Classification Summary - May 2015. Collection method: clinical testing. Allele origin: germline.
Comment: Variant summary: POLG c.2410G>C (p.Ala804Pro) results in a non-conservative amino acid change in the encoded protein sequence. Algorithms developed to predict the effect of missense changes on protein structure and function all suggest that this variant is likely to be disruptive. The variant was absent in 251102 control chromosomes. The available data on variant occurrences in the general population are insufficient to allow any conclusion about variant significance. c.2410G>C has been observed in at least one compound heterozygous individual affected with acute liver failure (e.g. Vara_2023). These data do not allow any conclusion about variant significance. To our knowledge, no experimental evidence demonstrating an impact on protein function has been reported. The following publication has been ascertained in the context of this evaluation (PMID: 37204315). ClinVar contains an entry for this variant (Variation ID: 2709099). Based on the evidence outlined above, the variant was classified as uncertain significance.

Labcorp Genetics (formerly Invitae), Labcorp
Classification: Uncertain significance for Progressive sclerosing poliodystrophy. Last evaluated: 2023-10-10. Review status: criteria provided, single submitter. Criteria: Invitae Variant Classification Sherloc (09022015). Collection method: clinical testing. Allele origin: germline.
Comment: This sequence change replaces alanine, which is neutral and non-polar, with proline, which is neutral and non-polar, at codon 804 of the POLG protein (p.Ala804Pro). This variant is not present in population databases (gnomAD no frequency). This variant has not been reported in the literature in individuals affected with POLG-related conditions. Advanced modeling of protein sequence and biophysical properties (such as structural, functional, and spatial information, amino acid conservation, physicochemical variation, residue mobility, and thermodynamic stability) performed at Invitae indicates that this missense variant is expected to disrupt POLG protein function. In summary, the available evidence is currently insufficient to determine the role of this variant in disease. Therefore, it has been classified as a Variant of Uncertain Significance.

Literature cited by the submitters: PubMed 37204315 (cited by Women's Health and Genetics/Laboratory Corporation of America, LabCorp).